The following is an entry in ClinVar:

ClinVar aggregate classification (germline): Uncertain significance (1 of 4 stars; one submission).

Submission:

GeneDx
Classification: Uncertain significance. Last evaluated: 2026-02-25. Review status: criteria provided, single submitter. Criteria: GeneDx Variant Classification Process June 2021. Collection method: clinical testing. Allele origin: germline.
Comment: Not observed at significant frequency in large population cohorts (gnomAD); In silico analysis supports that this missense variant has a deleterious effect on protein structure/function; Has not been previously published as pathogenic or benign to our knowledge

NM_080860.4(RSPH1):c.619C>T (p.Pro207Ser)

Gene: RSPH1 (radial spoke head component 1; minus strand). Cytogenetic location: 21q22.3.
Variant type: single nucleotide variant.
Coding change: c.619C>T on transcript NM_080860.4 (MANE Select); coding-DNA position 619, C replaced by T.
Protein change: p.Pro207Ser; replaces proline 207 with serine.
Molecular consequence: missense variant.
Genome position (GRCh38, 1-based): chr21:42,477,399, G>A on the plus strand (C>T on the coding strand, the complement: RSPH1 is on the minus strand). VCF-style: chr21-42477399-G-A. GRCh37 (hg19) VCF-style: chr21-43897509-G-A.
Other names: c.505C>T, p.Pro169Ser (NM_001286506.2); short protein forms P169S, P207S.
Identifiers: ClinVar variation 5009911 (VCV005009911.1).